The following is an entry in ClinVar:

ClinVar aggregate classification (germline): Uncertain significance. Review status: criteria provided, multiple submitters, no conflicts (2 of 4 stars). 2 submissions from 2 submitters: Uncertain significance (2). Last evaluated 2024-07-03.

gnomAD v4.1: 2 of 1,613,936 alleles (0.00012%); highest among the groups gnomAD compares: African/African-American, 0.0027%; no homozygotes.

Submissions (2):

Women's Health and Genetics/Laboratory Corporation of America, LabCorp
Classification: Uncertain significance. Last evaluated: 2024-07-03. Review status: criteria provided, single submitter. Criteria: LabCorp Variant Classification Summary - May 2015. Collection method: clinical testing. Allele origin: germline.

Labcorp Genetics (formerly Invitae), Labcorp
Classification: Uncertain significance. Last evaluated: 2022-08-23. Review status: criteria provided, single submitter. Criteria: Invitae Variant Classification Sherloc (09022015). Collection method: clinical testing. Allele origin: germline.
Comment: This sequence change replaces threonine, which is neutral and polar, with arginine, which is basic and polar, at codon 275 of the OCA2 protein (p.Thr275Arg). This variant is present in population databases (no rsID available, gnomAD 0.007%). This variant has not been reported in the literature in individuals affected with OCA2-related conditions. ClinVar contains an entry for this variant (Variation ID: 1352077). Algorithms developed to predict the effect of missense changes on protein structure and function are either unavailable or do not agree on the potential impact of this missense change (SIFT: "Deleterious"; PolyPhen-2: "Possibly Damaging"; Align-GVGD: "Class C0"). This variant disrupts the p.Thr275 amino acid residue in OCA2. Other variant(s) that disrupt this residue have been observed in individuals with OCA2-related conditions (PMID: 28726809, 29345414), which suggests that this may be a clinically significant amino acid residue. In summary, the available evidence is currently insufficient to determine the role of this variant in disease. Therefore, it has been classified as a Variant of Uncertain Significance.

Literature cited by the submitters: PubMed 28726809 (cited by Labcorp Genetics (formerly Invitae), Labcorp); PubMed 29345414 (cited by Labcorp Genetics (formerly Invitae), Labcorp).

NM_000275.3(OCA2):c.824C>G (p.Thr275Arg)

Gene: OCA2 (OCA2 melanosomal transmembrane protein; minus strand). Cytogenetic location: 15q13.1.
Variant type: single nucleotide variant.
Coding change: c.824C>G on transcript NM_000275.3 (MANE Select); coding-DNA position 824, C replaced by G.
Protein change: p.Thr275Arg; replaces threonine 275 with arginine.
Molecular consequence: missense variant.
Genome position (GRCh38, 1-based): chr15:28,016,170, G>C on the plus strand (C>G on the coding strand, the complement: OCA2 is on the minus strand). VCF-style: chr15-28016170-G-C. GRCh37 (hg19) VCF-style: chr15-28261316-G-C.
Other names: c.824C>G, p.Thr275Arg (NM_001300984.2); short protein forms T275R.
Identifiers: ClinVar variation 1352077 (VCV001352077.4), dbSNP rs369750458, ClinGen allele CA267908408.